The following is an entry in ClinVar:

ClinVar aggregate classification (germline): Uncertain significance (1 of 4 stars; one submission).

Allele frequency attached by ClinVar (database versions not stated): gnomAD exomes 0.00003; ExAC 0.00007.
gnomAD v4.1: 43 of 1,602,310 alleles (0.0027%); highest among the groups gnomAD compares: South Asian, 0.048%; no homozygotes.

Submission:

Labcorp Genetics (formerly Invitae), Labcorp
Classification: Uncertain significance. Last evaluated: 2024-10-16. Review status: criteria provided, single submitter. Criteria: Invitae Variant Classification Sherloc (09022015). Collection method: clinical testing. Allele origin: germline.
Comment: This sequence change replaces glycine, which is neutral and non-polar, with glutamic acid, which is acidic and polar, at codon 567 of the LAMB1 protein (p.Gly567Glu). This variant is present in population databases (rs754022637, gnomAD 0.05%). This variant has not been reported in the literature in individuals affected with LAMB1-related conditions. An algorithm developed to predict the effect of missense changes on protein structure and function outputs the following: PolyPhen-2: "Benign". The glutamic acid amino acid residue is found in multiple mammalian species, which suggests that this missense change does not adversely affect protein function. In summary, the available evidence is currently insufficient to determine the role of this variant in disease. Therefore, it has been classified as a Variant of Uncertain Significance.

NM_002291.3(LAMB1):c.1700G>A (p.Gly567Glu)

Gene: LAMB1 (laminin subunit beta 1; minus strand). Cytogenetic location: 7q31.1.
Variant type: single nucleotide variant.
Coding change: c.1700G>A on transcript NM_002291.3 (MANE Select); coding-DNA position 1700, G replaced by A.
Protein change: p.Gly567Glu; replaces glycine 567 with glutamic acid.
Molecular consequence: missense variant.
Genome position (GRCh38, 1-based): chr7:107,963,062, C>T on the plus strand (G>A on the coding strand, the complement: LAMB1 is on the minus strand). VCF-style: chr7-107963062-C-T. GRCh37 (hg19) VCF-style: chr7-107603507-C-T.
Other names: short protein forms G567E.
Identifiers: ClinVar variation 2966254 (VCV002966254.3), dbSNP rs754022637, ClinGen allele CA4435908.